The following is an entry in ClinVar:

ClinVar aggregate classification (germline): Benign/Likely benign. Review status: criteria provided, multiple submitters, no conflicts (2 of 4 stars). 8 submissions from 7 submitters: Benign (5); Likely benign (3). Last evaluated 2026-04-14.

Conditions:
Familial intrahepatic cholestasis. Identifiers: Orphanet 284385, MedGen CN296401, MONDO:0017290.
Low phospholipid associated cholelithiasis (GBD1). Also called: Gallstone cholecystitis; Gallbladder disease 1. Identifiers: Orphanet 69663, MedGen C2609268, MONDO:0010939, OMIM 600803.
Cholestasis, intrahepatic, of pregnancy, 3. Identifiers: Orphanet 69665, MedGen C3554241, MONDO:0013995, OMIM 614972.
Progressive familial intrahepatic cholestasis type 3. Also called: Low Gamma-GT Familial Intrahepatic Cholestasis; MDR3 DEFICIENCY. Identifiers: Orphanet 79305, MedGen C1865643, MONDO:0011214, OMIM 602347.

Allele frequency attached by ClinVar (database versions not stated): gnomAD exomes 0.00429; ExAC 0.00556; gnomAD 0.01641 and 0.01759; 1000 Genomes Project 30x 0.01655; 1000 Genomes Project 0.01677; TOPMed 0.01782; ESP Exome Variant Server 0.01815.
gnomAD v4.1: 4,908 of 1,613,490 alleles (0.3%); highest among the groups gnomAD compares: African/African-American, 5.6%; 136 homozygotes.

Submissions (8):

Genomenon, Inc
Classification: Benign for Familial intrahepatic cholestasis; Low phospholipid associated cholelithiasis. Last evaluated: 2026-04-14. Review status: criteria provided, single submitter. Criteria: Genomenon Sequence Variant Interpretation Standards - Updated. Collection method: curation. Allele origin: germline. Affected: no.
Comment: ABCB4 c.147C>T is a synonymous variant that retains Serine at residue 49. This variant is present at high allele frequency in population databases. We classify ABCB4 p.Ser49= (c.147C>T) as a benign variant.

Labcorp Genetics (formerly Invitae), Labcorp
Classification: Benign. Last evaluated: 2026-02-02. Review status: criteria provided, single submitter. Criteria: Invitae Variant Classification Sherloc (09022015). Collection method: clinical testing. Allele origin: germline.

Mayo Clinic Laboratories, Mayo Clinic
Classification: Benign. Last evaluated: 2021-12-12. Review status: criteria provided, single submitter. Criteria: ACMG Guidelines, 2015. Collection method: clinical testing. Allele origin: germline. Observed: 13 variant alleles.

Illumina Laboratory Services, Illumina
Classification: Likely benign for Progressive familial intrahepatic cholestasis type 3. Last evaluated: 2017-04-28. Review status: criteria provided, single submitter. Criteria: ICSL Variant Classification Criteria 13 December 2019. Collection method: clinical testing. Allele origin: germline.
Comment: This variant was observed as part of a predisposition screen in an ostensibly healthy population. A literature search was performed for the gene, cDNA change, and amino acid change (where applicable). Publications were found based on this search. The evidence from the literature, in combination with allele frequency data from public databases where available, was sufficient to determine this variant is unlikely to cause disease. Therefore, this variant is classified as likely benign.

Illumina Laboratory Services, Illumina
Classification: Likely benign for Cholestasis, intrahepatic, of pregnancy, 3. Last evaluated: 2017-04-28. Review status: criteria provided, single submitter. Criteria: ICSL Variant Classification Criteria 13 December 2019. Collection method: clinical testing. Allele origin: germline.
Comment: This variant was observed as part of a predisposition screen in an ostensibly healthy population. A literature search was performed for the gene, cDNA change, and amino acid change (where applicable). No publications were found based on this search. Allele frequency data from public databases allowed determination this variant is unlikely to cause disease. Therefore, this variant is classified as likely benign.

GeneDx
Classification: Benign. Last evaluated: 2016-02-24. Review status: criteria provided, single submitter. Criteria: GeneDx Variant Classification (06012015). Collection method: clinical testing. Allele origin: germline. Affected: yes.
Comment: This variant is considered likely benign or benign based on one or more of the following criteria: it is a conservative change, it occurs at a poorly conserved position in the protein, it is predicted to be benign by multiple in silico algorithms, and/or has population frequency not consistent with disease.

Breakthrough Genomics
Classification: Likely benign. Review status: criteria provided, single submitter. Criteria: ACMG Guidelines, 2015. Collection method: not provided. Allele origin: germline. Inheritance: Autosomal recessive inheritance. Affected: yes.

PreventionGenetics, part of Exact Sciences
Classification: Benign. Review status: criteria provided, single submitter. Criteria: ACMG Guidelines, 2015. Collection method: clinical testing. Allele origin: germline.

Literature cited by the submitters: PubMed 24914347 (cited by Illumina Laboratory Services, Illumina).

NM_000443.4(ABCB4):c.147C>T (p.Ser49=)

Gene: ABCB4 (ATP binding cassette subfamily B member 4; minus strand). Cytogenetic location: 7q21.12.
Variant type: single nucleotide variant.
Coding change: c.147C>T on transcript NM_000443.4 (MANE Select); coding-DNA position 147, C replaced by T.
Protein change: p.Ser49=; no amino-acid change (serine 49 retained).
Molecular consequence: synonymous variant.
Genome position (GRCh38, 1-based): chr7:87,462,897, G>A on the plus strand (C>T on the coding strand, the complement: ABCB4 is on the minus strand). VCF-style: chr7-87462897-G-A. GRCh37 (hg19) VCF-style: chr7-87092213-G-A.
Other names: p.Ser49=; c.147C>T, p.Ser49= (NM_018849.3, NM_018850.3).
Identifiers: ClinVar variation 256157 (VCV000256157.17), dbSNP rs8187789, ClinGen allele CA4327607.